The following is an entry in ClinVar:

ClinVar aggregate classification (germline): Uncertain significance (1 of 4 stars; one submission).

Conditions:
Cardiovascular phenotype. Identifiers: MedGen CN230736.

Submission:

Ambry Genetics
Classification: Uncertain significance for Cardiovascular phenotype. Last evaluated: 2020-11-23. Review status: criteria provided, single submitter. Criteria: Ambry Variant Classification Scheme 2023. Collection method: clinical testing. Allele origin: germline.
Comment: The p.A49V variant (also known as c.146C>T), located in coding exon 1 of the GATAD1 gene, results from a C to T substitution at nucleotide position 146. The alanine at codon 49 is replaced by valine, an amino acid with similar properties. This amino acid position is well conserved in available vertebrate species. In addition, this alteration is predicted to be tolerated by in silico analysis. Since supporting evidence is limited at this time, the clinical significance of this alteration remains unclear.

NM_021167.5(GATAD1):c.146C>T (p.Ala49Val)

Genes: GATAD1 (GATA zinc finger domain containing 1; plus strand), LOC129998793 (ATAC-STARR-seq lymphoblastoid silent region 18371; plus strand). Cytogenetic location: 7q21.2.
Variant type: single nucleotide variant.
Coding change: c.146C>T on transcript NM_021167.5 (MANE Select); coding-DNA position 146, C replaced by T.
Protein change: p.Ala49Val; replaces alanine 49 with valine.
Molecular consequence: missense variant. On other transcripts: non-coding transcript variant (1).
Genome position (GRCh38, 1-based): chr7:92,447,875, C>T. VCF-style: chr7-92447875-C-T. GRCh37 (hg19) VCF-style: chr7-92077189-C-T.
Other names: short protein forms A49V.
Identifiers: ClinVar variation 1773328 (VCV001773328.2), dbSNP rs1789223166, ClinGen allele CA368155297.
Genomic context (GRCh38, chr7:92,447,875, plus strand): 5'-TCTGCCATCATTGCACTGGCCGGGGCGGCGCGGGCAGCGGGGGCGCAGGCTCGGGGGCGG[C>T]TGGAGGGACTGGGGGCAGCGGCGGCGGCGGCTTCGGCGCGGCGACCTTCGCCAGCACCTC-3'
Protein context (NP_066990.3, residues 39-59): AGSGGAGSGA[Ala49Val]GGTGGSGGGG